The following is an entry in ClinVar:

ClinVar aggregate classification (germline): Uncertain significance. Review status: criteria provided, multiple submitters, no conflicts (2 of 4 stars). 2 submissions from 2 submitters: Uncertain significance (2). Last evaluated 2026-04-24.

Submissions (2):

Dasa
Classification: Uncertain significance. Last evaluated: 2026-04-24. Review status: criteria provided, single submitter. Criteria: DASA Assertion Criteria. Collection method: clinical testing. Allele origin: germline.
Comment: NM_006885.4(ZFHX3):c.8603C>G (p.Ser2868Cys) is a missense variant that results in the substitution of serine with cysteine. This variant is rare in population databases. The currently available literature and clinical evidence are not sufficient to establish a definitive association between this variant and the reported condition. Therefore, this variant is classified as a variant of uncertain significance.

Ambry Genetics
Classification: Uncertain significance. Last evaluated: 2024-10-20. Review status: criteria provided, single submitter. Criteria: Ambry Variant Classification Scheme 2023. Collection method: clinical testing. Allele origin: germline.

NM_006885.4(ZFHX3):c.8603C>G (p.Ser2868Cys)

Genes: ZFHX3 (zinc finger homeobox 3; minus strand), ZFHX3-AS1 (ZFHX3 antisense RNA 1; plus strand). Cytogenetic location: 16q22.2.
Variant type: single nucleotide variant.
Coding change: c.8603C>G on transcript NM_006885.4 (MANE Select); coding-DNA position 8603, C replaced by G.
Protein change: p.Ser2868Cys; replaces serine 2868 with cysteine.
Molecular consequence: missense variant.
Genome position (GRCh38, 1-based): chr16:72,794,079, G>C on the plus strand (C>G on the coding strand, the complement: ZFHX3 is on the minus strand). VCF-style: chr16-72794079-G-C. GRCh37 (hg19) VCF-style: chr16-72827978-G-C.
Other names: c.5861C>G, p.Ser1954Cys (NM_001164766.2); c.8603C>G, p.Ser2868Cys (NM_001386735.1); short protein forms S1954C, S2868C.
Identifiers: ClinVar variation 3473207 (VCV003473207.3).